The following is an entry in ClinVar:

NM_002430.3(MN1):c.284A>G (p.Gln95Arg)

Gene: MN1 (MN1 proto-oncogene, transcriptional regulator; minus strand). Cytogenetic location: 22q12.1.
Variant type: single nucleotide variant.
Coding change: c.284A>G on transcript NM_002430.3 (MANE Select); coding-DNA position 284, A replaced by G.
Protein change: p.Gln95Arg; replaces glutamine 95 with arginine.
Molecular consequence: missense variant.
Genome position (GRCh38, 1-based): chr22:27,800,260, T>C on the plus strand (A>G on the coding strand, the complement: MN1 is on the minus strand). VCF-style: chr22-27800260-T-C. GRCh37 (hg19) VCF-style: chr22-28196248-T-C.
Other names: short protein forms Q95R.
Identifiers: ClinVar variation 3041130 (VCV003041130.2), dbSNP rs200805240, ClinGen allele CA10166597.

ClinVar aggregate classification (germline): Likely benign (0 of 4 stars; one submission).

Conditions:
MN1-related disorder. Also called: MN1-related condition.

Allele frequency attached by ClinVar (database versions not stated): ExAC 0.00022; 1000 Genomes Project 0.00040; ESP Exome Variant Server 0.00041; gnomAD 0.00060; 1000 Genomes Project 30x 0.00062; TOPMed 0.00074.
gnomAD v4.1: 176 of 1,584,168 alleles (0.011%); highest among the groups gnomAD compares: African/African-American, 0.18%; no homozygotes.

Submission:

PreventionGenetics, part of Exact Sciences
Classification: Likely benign for MN1-related condition. Last evaluated: 2019-10-28. Review status: no assertion criteria provided. Collection method: clinical testing. Allele origin: germline.
Comment: This variant is classified as likely benign based on ACMG/AMP sequence variant interpretation guidelines (Richards et al. 2015 PMID: 25741868, with internal and published modifications).